The following is an entry in ClinVar:

ClinVar aggregate classification (germline): Uncertain significance. Review status: criteria provided, multiple submitters, no conflicts (2 of 4 stars). 2 submissions from 2 submitters: Uncertain significance (2). Last evaluated 2025-07-02.

Conditions:
Malignant hyperthermia, susceptibility to, 1 (MHS1). Also called: RYR1-Related Malignant Hyperthermia Susceptibility; Anesthesia related hyperthermia; Malignant hyperpyrexia; Fulminating hyperpyrexia; Pharmacogenic myopathy; Malignant hyperthermia suceptibility 1. Identifiers: Orphanet 423, MedGen C2930980, MONDO:0007783, OMIM 145600.

Allele frequency attached by ClinVar (database versions not stated): gnomAD exomes below 0.00001; TOPMed 0.00001; ExAC 0.00002.
gnomAD v4.1: 1 of 1,572,830 alleles (0.000064%); highest among the groups gnomAD compares: Non-Finnish European, 0.000086%; no homozygotes.

Submissions (2):

Color Diagnostics, LLC DBA Color Health
Classification: Uncertain significance for Malignant hyperthermia, susceptibility to, 1. Last evaluated: 2025-07-02. Review status: criteria provided, single submitter. Criteria: ACMG Guidelines, 2015. Collection method: clinical testing. Allele origin: germline.
Comment: This variant causes a G to A nucleotide substitution at the +4 position of intron 48 of the RYR1 gene. To our knowledge, functional studies have not been reported for this variant. This variant has not been reported in individuals affected with RYR1-related disorders in the literature. This variant has been identified in 3/234670 chromosomes in the general population by the Genome Aggregation Database (gnomAD). The available evidence is insufficient to determine the role of this variant in disease conclusively. Therefore, this variant is classified as a Variant of Uncertain Significance.

All of Us Research Program, National Institutes of Health
Classification: Uncertain significance for Malignant hyperthermia, susceptibility to, 1. Last evaluated: 2023-04-10. Review status: criteria provided, single submitter. Criteria: ACMG Guidelines, 2015. Collection method: clinical testing. Allele origin: germline. Inheritance: Autosomal dominant inheritance. Observed: 1 variant allele, 1 heterozygote.
Comment: This variant causes a G to A nucleotide substitution at the +4 position of intron 48 of the RYR1 gene. To our knowledge, functional studies have not been reported for this variant. This variant has not been reported in individuals affected with RYR1-related disorders in the literature. This variant has been identified in 3/234670 chromosomes in the general population by the Genome Aggregation Database (gnomAD). The available evidence is insufficient to determine the role of this variant in disease conclusively. Therefore, this variant is classified as a Variant of Uncertain Significance.

This study involves interpretation of variants in research participants for the purpose of population health screening. Participant phenotype was not available at the time of variant classification. Additional details can be found in publication PMID: 35346344, PMCID: PMC8962531

NM_000540.3(RYR1):c.7835+4G>A

Gene: RYR1 (ryanodine receptor 1; plus strand). Cytogenetic location: 19q13.2.
Variant type: single nucleotide variant.
Coding change: c.7835+4G>A on transcript NM_000540.3 (MANE Select); 4 bases into the intron after coding-DNA position 7835, G replaced by A.
Molecular consequence: intron variant.
Genome position (GRCh38, 1-based): chr19:38,502,731, G>A. VCF-style: chr19-38502731-G-A. GRCh37 (hg19) VCF-style: chr19-38993371-G-A.
Other names: c.7835+4G>A (NM_001042723.2).
Identifiers: ClinVar variation 3070445 (VCV003070445.2), dbSNP rs775422233, ClinGen allele CA9415821.